The following is an entry in ClinVar:

ClinVar aggregate classification (germline): Uncertain significance. Review status: criteria provided, multiple submitters, no conflicts (2 of 4 stars). 2 submissions from 2 submitters: Uncertain significance (2). Last evaluated 2026-05-08.

Conditions:
Arrhythmogenic right ventricular dysplasia 5. Also called: Arrhythmogenic Right Ventricular Dysplasia/Cardiomyopathy 5; ARRHYTHMOGENIC RIGHT VENTRICULAR DYSPLASIA, FAMILIAL, 5. Identifiers: MedGen C1858379, MONDO:0011459, OMIM 604400.
Cardiovascular phenotype. Identifiers: MedGen CN230736.

Allele frequency attached by ClinVar (database versions not stated): ESP Exome Variant Server 0.00008.
gnomAD v4.1: 1 of 1,614,140 alleles (0.000062%); highest among the groups gnomAD compares: Non-Finnish European, 0.000085%; no homozygotes.

Submissions (2):

Ambry Genetics
Classification: Uncertain significance for Cardiovascular phenotype. Last evaluated: 2026-05-08. Review status: criteria provided, single submitter. Criteria: Ambry Variant Classification Scheme 2023. Collection method: clinical testing. Allele origin: germline.
Comment: The p.S193* variant (also known as c.578C>A), located in coding exon 7 of the TMEM43 gene, results from a C to A substitution at nucleotide position 578. This changes the amino acid from a serine to a stop codon within coding exon 7. This variant is expected to result in protein truncation or nonsense-mediated mRNA decay. However, loss of function has not been established as a mechanism of disease. Based on the available evidence, the clinical significance of this variant remains unclear.

All of Us Research Program, National Institutes of Health
Classification: Uncertain significance for Arrhythmogenic right ventricular dysplasia 5. Last evaluated: 2024-03-05. Review status: criteria provided, single submitter. Criteria: ACMG Guidelines, 2015. Collection method: clinical testing. Allele origin: germline. Inheritance: Autosomal dominant inheritance. Observed: 2 variant alleles, 2 heterozygotes.
Comment: This study involves interpretation of variants in research participants for the purpose of population health screening. Participant phenotype was not available at the time of variant classification. Additional details can be found in publication PMID: 35346344, PMCID: PMC8962531

NM_024334.3(TMEM43):c.578C>A (p.Ser193Ter)

Gene: TMEM43 (transmembrane protein 43; plus strand). Cytogenetic location: 3p25.1.
Variant type: single nucleotide variant.
Coding change: c.578C>A on transcript NM_024334.3 (MANE Select); coding-DNA position 578, C replaced by A.
Protein change: p.Ser193Ter; replaces serine 193 with a stop codon.
Molecular consequence: nonsense.
Genome position (GRCh38, 1-based): chr3:14,133,804, C>A. VCF-style: chr3-14133804-C-A. GRCh37 (hg19) VCF-style: chr3-14175304-C-A.
Other names: c.581C>A, p.Ser194Ter (NM_001407274.1); c.578C>A, p.Ser193Ter (NM_001407275.1, NM_001407276.1, NM_001407277.1 and 1 more transcripts); c.563C>A, p.Ser188Ter (NM_001407278.1); c.428C>A, p.Ser143Ter (NM_001407280.1); short protein forms S143*, S188*, S193*, S194*.
Identifiers: ClinVar variation 3073865 (VCV003073865.3), dbSNP rs140380494, ClinGen allele CA054426.